The following is an entry in ClinVar:

NM_005560.6(LAMA5):c.3245C>T (p.Pro1082Leu)

Gene: LAMA5 (laminin subunit alpha 5; minus strand). Cytogenetic location: 20q13.33.
Variant type: single nucleotide variant.
Coding change: c.3245C>T on transcript NM_005560.6 (MANE Select); coding-DNA position 3245, C replaced by T.
Protein change: p.Pro1082Leu; replaces proline 1082 with leucine.
Molecular consequence: missense variant.
Genome position (GRCh38, 1-based): chr20:62,333,127, G>A on the plus strand (C>T on the coding strand, the complement: LAMA5 is on the minus strand). VCF-style: chr20-62333127-G-A. GRCh37 (hg19) VCF-style: chr20-60908183-G-A.
Other names: short protein forms P1082L.
Identifiers: ClinVar variation 2420779 (VCV002420779.6), dbSNP rs1381384875, ClinGen allele CA409568403.

ClinVar aggregate classification (germline): Uncertain significance (1 of 4 stars; one submission).

Allele frequency attached by ClinVar (database versions not stated): gnomAD 0.00007.
gnomAD v4.1: 26 of 1,486,766 alleles (0.0017%); highest among the groups gnomAD compares: African/African-American, 0.018%; no homozygotes.

Submission:

Labcorp Genetics (formerly Invitae), Labcorp
Classification: Uncertain significance. Last evaluated: 2022-04-25. Review status: criteria provided, single submitter. Criteria: Invitae Variant Classification Sherloc (09022015). Collection method: clinical testing. Allele origin: germline.
Comment: This sequence change replaces proline, which is neutral and non-polar, with leucine, which is neutral and non-polar, at codon 1082 of the LAMA5 protein (p.Pro1082Leu). In summary, the available evidence is currently insufficient to determine the role of this variant in disease. Therefore, it has been classified as a Variant of Uncertain Significance. Algorithms developed to predict the effect of missense changes on protein structure and function (SIFT, PolyPhen-2, Align-GVGD) all suggest that this variant is likely to be disruptive. This variant has not been reported in the literature in individuals affected with LAMA5-related conditions. The frequency data for this variant in the population databases is considered unreliable, as metrics indicate poor data quality at this position in the gnomAD database.